The following is an entry in ClinVar:

ClinVar aggregate classification (germline): Uncertain significance (1 of 4 stars; one submission).

Submission:

Dasa
Classification: Uncertain significance. Last evaluated: 2026-05-02. Review status: criteria provided, single submitter. Criteria: DASA Assertion Criteria. Collection method: clinical testing. Allele origin: germline.
Comment: NM_000489.6(ATRX):c.5228G>A (p.Arg1743Lys) is a missense variant that results in the substitution of arginine with lysine. This variant is rare in population databases. Computational prediction algorithms are consistent with a deleterious effect. The currently available literature and clinical evidence are not sufficient to establish a definitive association between this variant and the reported condition. Therefore, this variant is classified as a variant of uncertain significance.

NM_000489.6(ATRX):c.5228G>A (p.Arg1743Lys)

Gene: ATRX (ATRX chromatin remodeler; minus strand). Cytogenetic location: Xq21.1.
Variant type: single nucleotide variant.
Coding change: c.5228G>A on transcript NM_000489.6 (MANE Select); coding-DNA position 5228, G replaced by A.
Protein change: p.Arg1743Lys; replaces arginine 1743 with lysine.
Molecular consequence: missense variant.
Genome position (GRCh38, 1-based): chrX:77,620,439, C>T on the plus strand (G>A on the coding strand, the complement: ATRX is on the minus strand). VCF-style: chrX-77620439-C-T. GRCh37 (hg19) VCF-style: chrX-76875907-C-T.
Other names: c.5114G>A, p.Arg1705Lys (NM_138270.5); short protein forms R1705K, R1743K.
Identifiers: ClinVar variation 5020645 (VCV005020645.1).